The following is an entry in ClinVar:

NM_006734.4(HIVEP2):c.888T>A (p.Ser296Arg)

Gene: HIVEP2 (HIVEP zinc finger 2; minus strand). Cytogenetic location: 6q24.2.
Variant type: single nucleotide variant.
Coding change: c.888T>A on transcript NM_006734.4 (MANE Select); coding-DNA position 888, T replaced by A.
Protein change: p.Ser296Arg; replaces serine 296 with arginine.
Molecular consequence: missense variant.
Genome position (GRCh38, 1-based): chr6:142,773,851, A>T on the plus strand (T>A on the coding strand, the complement: HIVEP2 is on the minus strand). VCF-style: chr6-142773851-A-T. GRCh37 (hg19) VCF-style: chr6-143094988-A-T.
Other names: c.888T>A, p.Ser296Arg (NM_001438449.1, NM_001438450.1, NM_001438451.1); short protein forms S296R.
Identifiers: ClinVar variation 4538366 (VCV004538366.1).

ClinVar aggregate classification (germline): Uncertain significance (1 of 4 stars; one submission).

gnomAD v4.1: 1 of 1,613,464 alleles (0.000062%); highest among the groups gnomAD compares: Non-Finnish European, 0.000085%; no homozygotes.

Submission:

Greenwood Genetic Center Diagnostic Laboratories, Greenwood Genetic Center
Classification: Uncertain significance. Last evaluated: 2025-04-03. Review status: criteria provided, single submitter. Criteria: ACMG Guidelines, 2015. Collection method: clinical testing. Allele origin: germline. Affected: yes.
Comment: Gene of Uncertain Significance